The following is an entry in ClinVar:

NM_000414.4(HSD17B4):c.1070A>T (p.Asp357Val)

Gene: HSD17B4 (hydroxysteroid 17-beta dehydrogenase 4; plus strand). Cytogenetic location: 5q23.1.
Variant type: single nucleotide variant.
Coding change: c.1070A>T on transcript NM_000414.4 (MANE Select); coding-DNA position 1070, A replaced by T.
Protein change: p.Asp357Val; replaces aspartic acid 357 with valine.
Molecular consequence: missense variant. On other transcripts: non-coding transcript variant (2).
Genome position (GRCh38, 1-based): chr5:119,499,414, A>T. VCF-style: chr5-119499414-A-T. GRCh37 (hg19) VCF-style: chr5-118835109-A-T.
Other names: c.1145A>T, p.Asp382Val (NM_001199291.3); c.1016A>T, p.Asp339Val (NM_001199292.2); c.998A>T, p.Asp333Val (NM_001292027.2); c.650A>T, p.Asp217Val (NM_001292028.2); c.1061A>T, p.Asp354Val (NM_001374497.1); c.1070A>T, p.Asp357Val (NM_001374498.1); c.743A>T, p.Asp248Val (NM_001374499.1); c.629A>T, p.Asp210Val (NM_001374500.1); and 2 more; short protein forms D217V, D357V, D210V, D248V, D354V, D382V, D220V, D333V.
Identifiers: ClinVar variation 2202603 (VCV002202603.2), dbSNP rs147324213, ClinGen allele CA3382082.
Genomic context (GRCh38, chr5:119,499,414, plus strand): 5'-ATGCTTATACGGAACTGGAAGCTATTATGTATGCCCTTGGAGTGGGAGCGTCAATCAAGG[A>T]TCCAAAAGATTTGAAATTTATTTATGAAGGAAGTTCTGATTTCTCCTGTTTGCCCACCTT-3'
Protein context (NP_000405.1, residues 347-367): YALGVGASIK[Asp357Val]PKDLKFIYEG

ClinVar aggregate classification (germline): Uncertain significance. Review status: criteria provided, multiple submitters, no conflicts (2 of 4 stars). 2 submissions from 2 submitters: Uncertain significance (2). Last evaluated 2025-08-31.

Conditions:
Bifunctional peroxisomal enzyme deficiency (DBIF). Also called: PBFE DEFICIENCY; D-bifunctional protein deficiency; DBP DEFICIENCY. Identifiers: Orphanet 300, MedGen C0342870, MONDO:0009855, OMIM 261515. Disease mechanism: loss of function.
Perrault syndrome. Also called: Gonadal dysgenesis with auditory dysfunction, autosomal recessive inheritance. Identifiers: Orphanet 2855, MedGen C0685838, MONDO:0017312.
Inborn genetic diseases. Identifiers: MedGen C0950123, MeSH D030342.

Allele frequency attached by ClinVar (database versions not stated): gnomAD exomes 0.00001; ExAC 0.00004; ESP Exome Variant Server 0.00008; gnomAD 0.00011.
gnomAD v4.1: 27 of 1,613,576 alleles (0.0017%); highest among the groups gnomAD compares: African/African-American, 0.032%; no homozygotes.

Submissions (2):

Ambry Genetics
Classification: Uncertain significance for Inborn genetic diseases. Last evaluated: 2025-08-31. Review status: criteria provided, single submitter. Criteria: Ambry Variant Classification Scheme 2023. Collection method: clinical testing. Allele origin: germline.

Labcorp Genetics (formerly Invitae), Labcorp
Classification: Uncertain significance for Perrault syndrome; Bifunctional peroxisomal enzyme deficiency. Last evaluated: 2022-04-16. Review status: criteria provided, single submitter. Criteria: Invitae Variant Classification Sherloc (09022015). Collection method: clinical testing. Allele origin: germline.
Comment: This sequence change replaces aspartic acid, which is acidic and polar, with valine, which is neutral and non-polar, at codon 357 of the HSD17B4 protein (p.Asp357Val). This variant is present in population databases (rs147324213, gnomAD 0.05%). This variant has not been reported in the literature in individuals affected with HSD17B4-related conditions. Algorithms developed to predict the effect of missense changes on protein structure and function are either unavailable or do not agree on the potential impact of this missense change (SIFT: "Deleterious"; PolyPhen-2: "Benign"; Align-GVGD: "Class C0"). In summary, the available evidence is currently insufficient to determine the role of this variant in disease. Therefore, it has been classified as a Variant of Uncertain Significance.